The following is an entry in ClinVar:

NC_000001.10:g.(?_11307662)_(11319466_?)del

Gene: MTOR (mechanistic target of rapamycin kinase; minus strand). Cytogenetic location: 1p36.22.
Variant type: Deletion.
Identifiers: ClinVar variation 3247966 (VCV003247966.1).

ClinVar aggregate classification (germline): Uncertain significance (1 of 4 stars; one submission).

Submission:

Labcorp Genetics (formerly Invitae), Labcorp
Classification: Uncertain significance. Last evaluated: 2023-02-26. Review status: criteria provided, single submitter. Criteria: Invitae Variant Classification Sherloc (09022015). Collection method: clinical testing. Allele origin: unknown.
Comment: In summary, the available evidence is currently insufficient to determine the role of this variant in disease. Therefore, it has been classified as a Variant of Uncertain Significance. This variant has not been reported in the literature in individuals affected with MTOR-related conditions. This variant is a gross deletion of the genomic region encompassing exon(s) 2-8 of the MTOR gene, which includes the initiator codon. This deletion extends beyond the assayed region for this gene and therefore may encompass additional genes. It is expected to result in an absent or disrupted protein product. However, the current clinical and genetic evidence is not sufficient to establish whether loss-of-function variants in MTOR cause disease.